The following is an entry in ClinVar:

NM_000216.4(ANOS1):c.401G>A (p.Cys134Tyr)

Gene: ANOS1 (anosmin 1; minus strand). Cytogenetic location: Xp22.31.
Variant type: single nucleotide variant.
Coding change: c.401G>A on transcript NM_000216.4 (MANE Select); coding-DNA position 401, G replaced by A.
Protein change: p.Cys134Tyr; replaces cysteine 134 with tyrosine.
Molecular consequence: missense variant.
Genome position (GRCh38, 1-based): chrX:8,597,174, C>T on the plus strand (G>A on the coding strand, the complement: ANOS1 is on the minus strand). VCF-style: chrX-8597174-C-T. GRCh37 (hg19) VCF-style: chrX-8565215-C-T.
Other names: c.401G>A, p.Cys134Tyr (NM_001440775.1); short protein forms C134Y.
Identifiers: ClinVar variation 4856031 (VCV004856031.1).

ClinVar aggregate classification (germline): Uncertain significance (1 of 4 stars; one submission).

Conditions:
Hypogonadotropic hypogonadism 1 with or without anosmia (HH1). Also called: Hypogonadotropic hypogonadism 1 with or without anosmia (Kallmann syndrome 1); HYPOGONADOTROPIC HYPOGONADISM AND ANOSMIA; KAL1-Related GnRH Deficiency (Kallmann Syndrome 1; Kallmann Syndrome, X-Linked); Kallmann syndrome, type 1, X-linked; DYSPLASIA OLFACTOGENITALIS OF DE MORSIER; HYPOGONADOTROPIC HYPOGONADISM 1 WITH ANOSMIA. Identifiers: Orphanet 478, MedGen C1563719, MONDO:0010635, OMIM 308700. Disease mechanism: loss of function.

Submission:

3billion
Classification: Uncertain significance for Hypogonadotropic hypogonadism 1 with or without anosmia. Last evaluated: 2025-08-01. Review status: criteria provided, single submitter. Criteria: ACMG Guidelines, 2015. Collection method: clinical testing. Allele origin: germline. Affected: yes.
Comment: The variant is not observed in the gnomAD v4.1.0 dataset. Predicted Consequence/Location: Missense variant. The majority of the known disease-causing variants of this gene are variants expected to result in premature termination of the protein. In silico tool predictions suggest damaging effect of the variant on gene or gene product [REVEL: 0.93 (>=0.6, sensitivity 0.68 and specificity 0.92); 3Cnet: 0.99 (> 0.75, sensitivity 0.96 and precision 0.92)]. A different missense change at the same codon (p.Cys134Gly) has been reported to be associated with ANOS1-related disorder (PMID: 20530987). Therefore, this variant is classified as VUS according to the recommendation of ACMG/AMP guideline.

Literature cited by the submitters: PubMed 20530987.